The following is an entry in ClinVar:

ClinVar aggregate classification (germline): Pathogenic (1 of 4 stars; one submission).

Conditions:
Episodic ataxia type 2 (EA2). Also called: ATAXIA, EPISODIC, WITH NYSTAGMUS; ATAXIA, FAMILIAL PAROXYSMAL; CEREBELLAR ATAXIA, PAROXYSMAL, ACETAZOLAMIDE-RESPONSIVE; CEREBELLOPATHY, HEREDITARY PAROXYSMAL; EPISODIC ATAXIA, NYSTAGMUS-ASSOCIATED; ACETAZOLAMIDE-RESPONSIVE HEREDITARY PAROXYSMAL CEREBELLAR ATAXIA. Identifiers: Orphanet 97, MedGen C1720416, MONDO:0007163, OMIM 108500.
Developmental and epileptic encephalopathy, 42 (DEE42A). Also called: Epileptic encephalopathy, early infantile, 42; DEVELOPMENTAL AND EPILEPTIC ENCEPHALOPATHY 42A; EPILEPTIC ENCEPHALOPATHY, EARLY INFANTILE, 42A. Identifiers: MedGen C4310716, MONDO:0014917, OMIM 617106.

Submission:

Labcorp Genetics (formerly Invitae), Labcorp
Classification: Pathogenic for Developmental and epileptic encephalopathy, 42; Episodic ataxia type 2. Last evaluated: 2021-11-21. Review status: criteria provided, single submitter. Criteria: Invitae Variant Classification Sherloc (09022015). Collection method: clinical testing. Allele origin: germline.
Comment: This variant is not present in population databases (gnomAD no frequency). This sequence change creates a premature translational stop signal (p.Asn1804Lysfs*12) in the CACNA1A gene. It is expected to result in an absent or disrupted protein product. Loss-of-function variants in CACNA1A are known to be pathogenic (PMID: 10371528, 19486177, 25735478, 27250579). This variant has not been reported in the literature in individuals affected with CACNA1A-related conditions. For these reasons, this variant has been classified as Pathogenic.

Literature cited by the submitters: PubMed 10371528; PubMed 19486177; PubMed 25735478; PubMed 27250579.

NM_001127222.2(CACNA1A):c.5408dup (p.Asn1803fs)

Gene: CACNA1A (calcium voltage-gated channel subunit alpha1 A; minus strand). Cytogenetic location: 19p13.13.
Variant type: Duplication.
Coding change: c.5408dup on transcript NM_001127222.2 (MANE Select); coding-DNA position 5408, one base duplicated (A; older notation c.5408dupA).
Protein change: p.Asn1803fs; shifts the reading frame from asparagine 1803.
Molecular consequence: frameshift variant.
Genome position (GRCh38, 1-based): chr19:13,230,202, T duplicated on the plus strand (A on the coding strand, the reverse complement: CACNA1A is on the minus strand); the first of 2 consecutive T bases (chr19:13,230,202-13,230,203); duplicating either gives the same sequence. VCF-style (leftmost placement, unchanged base first): chr19-13230201-A-AT. GRCh37 (hg19) VCF-style: chr19-13341015-A-AT.
Other names: c.5426dup, p.Asn1809fs (NM_000068.4, NM_023035.3); c.5411dup, p.Asn1804fs (NM_001127221.2); c.5417dup, p.Asn1806fs (NM_001174080.2); short protein forms N1809fs, N1803fs, N1804fs, N1806fs.
Identifiers: ClinVar variation 1428047 (VCV001428047.6), dbSNP rs2144622488, ClinGen allele CA2573156111.
Genomic context (GRCh38, chr19:13,230,201, plus strand): 5'-CAGGATGGAGGAGTCTCGGGTGAGGTACTCAAAGTTGTCCATGATGACGGCGACAAAGAG[A>AT]TTCAGCATCTGTGGGGACCCCGGGGACCAAGAGAGAATGGGGGCAGAGACCGAGGGAATG-3'